The following is an entry in ClinVar:

ClinVar aggregate classification (germline): Conflicting classifications of pathogenicity. Review status: criteria provided, conflicting classifications (1 of 4 stars). 4 submissions from 4 submitters: Uncertain significance (1); Likely benign (3). Last evaluated 2026-01-28.

Conditions:
Hereditary cancer-predisposing syndrome. Also called: Tumor predisposition; Hereditary Cancer Syndrome; Hereditary neoplastic syndrome; Neoplastic Syndromes, Hereditary. Identifiers: Orphanet 140162, MedGen C0027672, MeSH D009386, MONDO:0015356.
POLD1-related polyposis and colorectal cancer syndrome (CRCS10). Also called: Colorectal cancer 10; COLORECTAL CANCER, SUSCEPTIBILITY TO, ON CHROMOSOME 19q; Colorectal cancer, susceptibility to, 10. Identifiers: Orphanet 220460, MedGen C2675481, MONDO:0012953, OMIM 612591.

Allele frequency attached by ClinVar (database versions not stated): gnomAD exomes below 0.00001 and 0.00001; gnomAD 0.00001; TOPMed 0.00002; ExAC 0.00003.
gnomAD v4.1: 5 of 1,611,578 alleles (0.00031%); highest among the groups gnomAD compares: Non-Finnish European, 0.00042%; no homozygotes.

Submissions (4):

Labcorp Genetics (formerly Invitae), Labcorp
Classification: Likely benign for POLD1-related polyposis and colorectal cancer syndrome. Last evaluated: 2026-01-28. Review status: criteria provided, single submitter. Criteria: Invitae Variant Classification Sherloc (09022015). Collection method: clinical testing. Allele origin: germline.

Ambry Genetics
Classification: Uncertain significance for Hereditary cancer-predisposing syndrome. Last evaluated: 2025-04-28. Review status: criteria provided, single submitter. Criteria: Ambry Variant Classification Scheme 2023. Collection method: clinical testing. Allele origin: germline.
Comment: The c.317-5C>T intronic variant results from a C to T substitution 5 nucleotides upstream from coding exon 3 in the POLD1 gene. This nucleotide position is not well conserved in available vertebrate species. In silico splice site analysis predicts that this alteration will not have any significant effect on splicing. Based on the available evidence, the clinical significance of this variant remains unclear.

Mendelics
Classification: Likely benign for POLD1-related polyposis and colorectal cancer syndrome. Last evaluated: 2019-05-28. Review status: criteria provided, single submitter. Criteria: Mendelics Assertion Criteria 2017. Collection method: clinical testing. Allele origin: unknown.

GeneDx
Classification: Likely benign. Last evaluated: 2017-09-20. Review status: criteria provided, single submitter. Criteria: GeneDx Variant Classification (06012015). Collection method: clinical testing. Allele origin: germline. Affected: yes.
Comment: This variant is considered likely benign or benign based on one or more of the following criteria: it is a conservative change, it occurs at a poorly conserved position in the protein, it is predicted to be benign by multiple in silico algorithms, and/or has population frequency not consistent with disease.

NM_002691.4(POLD1):c.317-5C>T

Gene: POLD1 (DNA polymerase delta 1, catalytic subunit; plus strand). Cytogenetic location: 19q13.33.
Variant type: single nucleotide variant.
Coding change: c.317-5C>T on transcript NM_002691.4 (MANE Select); 5 bases into the intron before coding-DNA position 317, C replaced by T.
Molecular consequence: intron variant.
Genome position (GRCh38, 1-based): chr19:50,401,773, C>T. VCF-style: chr19-50401773-C-T. GRCh37 (hg19) VCF-style: chr19-50905030-C-T.
Other names: c.317-5C>T (LRG_785t1, NM_001256849.1, NM_001308632.1 and 1 more transcripts).
Identifiers: ClinVar variation 484366 (VCV000484366.18), dbSNP rs768082423, ClinGen allele CA9595696.